The following is an entry in ClinVar:

NM_004273.5(CHST3):c.*3301G>A

Gene: CHST3 (carbohydrate sulfotransferase 3; plus strand). Cytogenetic location: 10q22.1.
Variant type: single nucleotide variant.
Coding change: c.*3301G>A on transcript NM_004273.5 (MANE Select); 3301 bases downstream of the stop codon, G replaced by A.
Molecular consequence: 3 prime UTR variant.
Genome position (GRCh38, 1-based): chr10:72,011,772, G>A. VCF-style: chr10-72011772-G-A. GRCh37 (hg19) VCF-style: chr10-73771530-G-A.
Identifiers: ClinVar variation 879060 (VCV000879060.4), dbSNP rs75962504, ClinGen allele CA209480477.
Genomic context (GRCh38, chr10:72,011,772, plus strand): 5'-CTGCGGCCCAGCATATAGAAATGGCTCAGAACGTTCCAGGCCTTGGTGAGACACAGCAGC[G>A]TCCAATGCTCACAGGCTGTCCCCACTCTGCCTGTTCCCATCTTCCCCTCGGGACCTGTTT-3'

ClinVar aggregate classification (germline): Benign (1 of 4 stars; one submission).

Conditions:
Spondyloepiphyseal dysplasia with congenital joint dislocations (SEDCJD). Also called: Chondrodysplasia with Congenital Joint Dislocations, CHST3-Related. Identifiers: Orphanet 263463, MedGen C1837657, MONDO:0007738, OMIM 143095.

Allele frequency attached by ClinVar (database versions not stated): gnomAD 0.00675 and 0.00729; TOPMed 0.00756; 1000 Genomes Project 0.00759; 1000 Genomes Project 30x 0.00953.

Submission:

Illumina Laboratory Services, Illumina
Classification: Benign for Spondyloepiphyseal dysplasia with congenital joint dislocations. Last evaluated: 2018-01-13. Review status: criteria provided, single submitter. Criteria: ICSL Variant Classification Criteria 13 December 2019. Collection method: clinical testing. Allele origin: germline.
Comment: This variant was observed in the ICSL laboratory as part of a predisposition screen in an ostensibly healthy population. It had not been previously curated by ICSL or reported in the Human Gene Mutation Database (HGMD: prior to June 1st, 2018), and was therefore a candidate for classification through an automated scoring system. Utilizing variant allele frequency, disease prevalence and penetrance estimates, and inheritance mode, an automated score was calculated to assess if this variant is too frequent to cause the disease. Based on the score and internal cut-off values, a variant classified as benign is not then subjected to further curation. The score for this variant resulted in a classification of benign for this disease.